The following is an entry in ClinVar:

ClinVar aggregate classification (germline): Uncertain significance (1 of 4 stars; one submission).

Conditions:
FG syndrome (FGS). Identifiers: MedGen C0220769, MONDO:0002010.

Allele frequency attached by ClinVar (database versions not stated): gnomAD exomes below 0.00001.
gnomAD v4.1: 6 of 1,211,173 alleles (0.0005%); highest among the groups gnomAD compares: African/African-American, 0.0052%; no homozygotes.

Submission:

Labcorp Genetics (formerly Invitae), Labcorp
Classification: Uncertain significance for FG syndrome. Last evaluated: 2025-10-15. Review status: criteria provided, single submitter. Criteria: Invitae Variant Classification Sherloc (09022015). Collection method: clinical testing. Allele origin: germline.
Comment: This sequence change replaces alanine, which is neutral and non-polar, with proline, which is neutral and non-polar, at codon 546 of the MED12 protein (p.Ala546Pro). This variant is not present in population databases (gnomAD no frequency). This variant has not been reported in the literature in individuals affected with MED12-related conditions. ClinVar contains an entry for this variant (Variation ID: 2039999). Invitae Evidence Modeling of protein sequence and biophysical properties (such as structural, functional, and spatial information, amino acid conservation, physicochemical variation, residue mobility, and thermodynamic stability) indicates that this missense variant is not expected to disrupt MED12 protein function with a negative predictive value of 95%. In summary, the available evidence is currently insufficient to determine the role of this variant in disease. Therefore, it has been classified as a Variant of Uncertain Significance.

NM_005120.3(MED12):c.1636G>C (p.Ala546Pro)

Genes: MED12 (mediator complex subunit 12; plus strand), LOC126863275 (BRD4-independent group 4 enhancer GRCh37_chrX:70342400-70343599; plus strand). Cytogenetic location: Xq13.1.
Variant type: single nucleotide variant.
Coding change: c.1636G>C on transcript NM_005120.3 (MANE Select); coding-DNA position 1636, G replaced by C.
Protein change: p.Ala546Pro; replaces alanine 546 with proline.
Molecular consequence: missense variant.
Genome position (GRCh38, 1-based): chrX:71,123,612, G>C. VCF-style: chrX-71123612-G-C. GRCh37 (hg19) VCF-style: chrX-70343462-G-C.
Other names: short protein forms A546P.
Identifiers: ClinVar variation 2039999 (VCV002039999.4), dbSNP rs1602296337, ClinGen allele CA413508043.
Genomic context (GRCh38, chrX:71,123,612, plus strand): 5'-CAGGTAAAAGTCAGTTCTACAATTTGTTCTGTCATCTTGCAGCGTTGTGGAGAATCAGAA[G>C]CCGCAGATGAGAAGGGTTCCATCGCCTCTGGCTCCCTTTCTGCTCCCAGTGCTCCCATTT-3'
Protein context (NP_005111.2, residues 536-556): IEAERCGESE[Ala546Pro]ADEKGSIASG